The following is an entry in ClinVar:

ClinVar aggregate classification (germline): Uncertain significance (1 of 4 stars; one submission).

Conditions:
KCNH5-related disorder. Also called: KCNH5-related condition.

gnomAD v4.1: 2 of 1,610,192 alleles (0.00012%); no homozygotes.

Submission:

PreventionGenetics, part of Exact Sciences
Classification: Uncertain significance for KCNH5-related condition. Last evaluated: 2025-12-10. Review status: criteria provided, single submitter. Criteria: ACMG Guidelines, 2015. Collection method: clinical testing. Allele origin: germline.
Comment: The KCNH5 c.313G>A variant is predicted to result in the amino acid substitution p.Val105Ile. To our knowledge, this variant has not been reported in the literature or in a large population database (gnomAD), indicating this variant is rare. At this time, the clinical significance of this variant is uncertain due to the absence of conclusive functional and genetic evidence.

NM_139318.5(KCNH5):c.313G>A (p.Val105Ile)

Gene: KCNH5 (potassium voltage-gated channel subfamily H member 5; minus strand). Cytogenetic location: 14q23.2.
Variant type: single nucleotide variant.
Coding change: c.313G>A on transcript NM_139318.5 (MANE Select); coding-DNA position 313, G replaced by A.
Protein change: p.Val105Ile; replaces valine 105 with isoleucine.
Molecular consequence: missense variant.
Genome position (GRCh38, 1-based): chr14:63,001,451, C>T on the plus strand (G>A on the coding strand, the complement: KCNH5 is on the minus strand). VCF-style: chr14-63001451-C-T. GRCh37 (hg19) VCF-style: chr14-63468169-C-T.
Other names: c.313G>A, p.Val105Ile (NM_172375.3); short protein forms V105I.
Identifiers: ClinVar variation 4988558 (VCV004988558.1).